The following is an entry in ClinVar:

ClinVar aggregate classification (germline): Uncertain significance. Review status: criteria provided, multiple submitters, no conflicts (2 of 4 stars). 2 submissions from 2 submitters: Uncertain significance (2). Last evaluated 2024-11-01.

Conditions:
Dilated cardiomyopathy 1J (CMD1J). Also called: CARDIOMYOPATHY, DILATED, WITH SENSORINEURAL HEARING LOSS, AUTOSOMAL DOMINANT. Identifiers: Orphanet 217622, MedGen C1854368, MONDO:0011541, OMIM 605362.

Allele frequency attached by ClinVar (database versions not stated): ExAC 0.00001; gnomAD 0.00001; TOPMed 0.00001.

Submissions (2):

GeneDx
Classification: Uncertain significance. Last evaluated: 2024-11-01. Review status: criteria provided, single submitter. Criteria: GeneDx Variant Classification Process June 2021. Collection method: clinical testing. Allele origin: germline. Affected: yes.
Comment: Not observed at significant frequency in large population cohorts (gnomAD); In silico analysis indicates that this missense variant does not alter protein structure/function; Has not been previously published as pathogenic or benign to our knowledge

Labcorp Genetics (formerly Invitae), Labcorp
Classification: Uncertain significance for Dilated cardiomyopathy 1J. Last evaluated: 2022-10-31. Review status: criteria provided, single submitter. Criteria: Invitae Variant Classification Sherloc (09022015). Collection method: clinical testing. Allele origin: germline.
Comment: In summary, the available evidence is currently insufficient to determine the role of this variant in disease. Therefore, it has been classified as a Variant of Uncertain Significance. Advanced modeling of protein sequence and biophysical properties (such as structural, functional, and spatial information, amino acid conservation, physicochemical variation, residue mobility, and thermodynamic stability) performed at Invitae indicates that this missense variant is not expected to disrupt EYA4 protein function. This variant has not been reported in the literature in individuals affected with EYA4-related conditions. This variant is present in population databases (rs749651950, gnomAD 0.003%). This sequence change replaces proline, which is neutral and non-polar, with serine, which is neutral and polar, at codon 399 of the EYA4 protein (p.Pro399Ser).

NM_004100.5(EYA4):c.1195C>T (p.Pro399Ser)

Genes: TARID (TCF21 antisense RNA inducing promoter demethylation; minus strand), EYA4 (EYA transcriptional coactivator and phosphatase 4; plus strand), LOC126859796 (MED14-independent group 3 enhancer GRCh37_chr6:133826289-133827488; plus strand). Cytogenetic location: 6q23.2.
Variant type: single nucleotide variant.
Coding change: c.1195C>T on transcript NM_004100.5 (MANE Select); coding-DNA position 1195, C replaced by T.
Protein change: p.Pro399Ser; replaces proline 399 with serine.
Molecular consequence: missense variant. On other transcripts: non-coding transcript variant (1).
Genome position (GRCh38, 1-based): chr6:133,506,109, C>T. VCF-style: chr6-133506109-C-T. GRCh37 (hg19) VCF-style: chr6-133827247-C-T.
Other names: c.1033C>T, p.Pro345Ser (NM_001301012.2); c.1213C>T, p.Pro405Ser (NM_001301013.2); c.1126C>T, p.Pro376Ser (NM_001370458.1, NM_172103.4); c.1051C>T, p.Pro351Ser (NM_001370459.1); c.1195C>T, p.Pro399Ser (NM_172105.4); c.1195C>T (NM_004100.4); short protein forms P376S, P399S, P345S, P405S, P351S.
Identifiers: ClinVar variation 1912473 (VCV001912473.6), dbSNP rs749651950, ClinGen allele CA4008297.